The following is an entry in ClinVar:

ClinVar aggregate classification (germline): Uncertain significance. Review status: criteria provided, multiple submitters, no conflicts (2 of 4 stars). 2 submissions from 2 submitters: Uncertain significance (2). Last evaluated 2025-11-05.

Conditions:
Inborn genetic diseases. Identifiers: MedGen C0950123, MeSH D030342.

Allele frequency attached by ClinVar (database versions not stated): ExAC 0.00001; gnomAD 0.00001 and 0.00002; gnomAD exomes 0.00001; TOPMed 0.00002; ESP Exome Variant Server 0.00008; 1000 Genomes Project 30x 0.00031; 1000 Genomes Project 0.00040.
gnomAD v4.1: 6 of 1,613,740 alleles (0.00037%); highest among the groups gnomAD compares: African/African-American, 0.0053%; no homozygotes.

Submissions (2):

Ambry Genetics
Classification: Uncertain significance for Inborn genetic diseases. Last evaluated: 2025-11-05. Review status: criteria provided, single submitter. Criteria: Ambry Variant Classification Scheme 2023. Collection method: clinical testing. Allele origin: germline.

Labcorp Genetics (formerly Invitae), Labcorp
Classification: Uncertain significance. Last evaluated: 2025-04-17. Review status: criteria provided, single submitter. Criteria: Invitae Variant Classification Sherloc (09022015). Collection method: clinical testing. Allele origin: germline.
Comment: This sequence change replaces aspartic acid, which is acidic and polar, with asparagine, which is neutral and polar, at codon 410 of the CACNA2D4 protein (p.Asp410Asn). This variant is present in population databases (rs375756819, gnomAD 0.01%). This variant has not been reported in the literature in individuals affected with CACNA2D4-related conditions. ClinVar contains an entry for this variant (Variation ID: 1460608). An algorithm developed to predict the effect of missense changes on protein structure and function (PolyPhen-2) suggests that this variant is likely to be tolerated. In summary, the available evidence is currently insufficient to determine the role of this variant in disease. Therefore, it has been classified as a Variant of Uncertain Significance.

NM_172364.5(CACNA2D4):c.1228G>A (p.Asp410Asn)

Gene: CACNA2D4 (calcium voltage-gated channel auxiliary subunit alpha2delta 4; minus strand). Cytogenetic location: 12p13.33.
Variant type: single nucleotide variant.
Coding change: c.1228G>A on transcript NM_172364.5 (MANE Select); coding-DNA position 1228, G replaced by A.
Protein change: p.Asp410Asn; replaces aspartic acid 410 with asparagine.
Molecular consequence: missense variant.
Genome position (GRCh38, 1-based): chr12:1,884,812, C>T on the plus strand (G>A on the coding strand, the complement: CACNA2D4 is on the minus strand). VCF-style: chr12-1884812-C-T. GRCh37 (hg19) VCF-style: chr12-1993978-C-T.
Other names: c.1228G>A (NM_172364.4); short protein forms D410N.
Identifiers: ClinVar variation 1460608 (VCV001460608.9), dbSNP rs375756819, ClinGen allele CA6387219.